The following is an entry in ClinVar:

NM_000384.3(APOB):c.8603A>G (p.Glu2868Gly)

Gene: APOB (apolipoprotein B; minus strand). Cytogenetic location: 2p24.1.
Variant type: single nucleotide variant.
Coding change: c.8603A>G on transcript NM_000384.3 (MANE Select); coding-DNA position 8603, A replaced by G.
Protein change: p.Glu2868Gly; replaces glutamic acid 2868 with glycine.
Molecular consequence: missense variant.
Genome position (GRCh38, 1-based): chr2:21,008,265, T>C on the plus strand (A>G on the coding strand, the complement: APOB is on the minus strand). VCF-style: chr2-21008265-T-C. GRCh37 (hg19) VCF-style: chr2-21231137-T-C.
Other names: short protein forms E2868G.
Identifiers: ClinVar variation 5027434 (VCV005027434.1).

ClinVar aggregate classification (germline): Uncertain significance (1 of 4 stars; one submission).

Conditions:
Cardiovascular phenotype. Identifiers: MedGen CN230736.

Submission:

Ambry Genetics
Classification: Uncertain significance for Cardiovascular phenotype. Last evaluated: 2026-07-02. Review status: criteria provided, single submitter. Criteria: Ambry Variant Classification Scheme 2023. Collection method: clinical testing. Allele origin: germline.
Comment: The p.E2868G variant (also known as c.8603A>G), located in coding exon 26 of the APOB gene, results from an A to G substitution at nucleotide position 8603. The glutamic acid at codon 2868 is replaced by glycine, an amino acid with similar properties. This amino acid position is conserved. In addition, this alteration is predicted to be tolerated by in silico analysis. Based on the available evidence, the clinical significance of this variant remains unclear.